The following is an entry in ClinVar:

ClinVar aggregate classification (germline): Pathogenic/Likely pathogenic. Review status: criteria provided, multiple submitters, no conflicts (2 of 4 stars). 2 submissions from 2 submitters: Pathogenic (1); Likely pathogenic (1). Last evaluated 2025-05-15.

Conditions:
Mulibrey nanism syndrome. Also called: MUSCLE-LIVER-BRAIN-EYE NANISM; PERHEENTUPA SYNDROME; PERICARDIAL CONSTRICTION AND GROWTH FAILURE. Identifiers: Orphanet 2576, MedGen C0524582, MONDO:0009664, OMIM 253250.

Allele frequency attached by ClinVar (database versions not stated): TOPMed below 0.00001.
gnomAD v4.1: 1 of 1,614,196 alleles (0.000062%); no homozygotes.

Submissions (2):

3billion
Classification: Pathogenic for Mulibrey nanism syndrome. Last evaluated: 2025-05-15. Review status: criteria provided, single submitter. Criteria: ACMG Guidelines, 2015. Collection method: clinical testing. Allele origin: germline. Affected: yes.
Comment: The variant is observed at an extremely low frequency in the gnomAD v4.1.0 dataset (total allele frequency: <0.001%). Predicted Consequence/Location: Stop-gained (nonsense): predicted to result in a loss or disruption of normal protein function through nonsense-mediated decay (NMD) or protein truncation. Multiple pathogenic variants are reported downstream of the variant. The variant has been reported to be associated with TRIM37-related disorder (ClinVar ID: VCV002679260). Therefore, this variant is classified as Pathogenic according to the recommendation of ACMG/AMP guideline.

Baylor Genetics
Classification: Likely pathogenic for Mulibrey nanism syndrome. Last evaluated: 2023-03-09. Review status: criteria provided, single submitter. Criteria: ACMG Guidelines, 2015. Collection method: clinical testing. Allele origin: unknown.

NM_015294.6(TRIM37):c.1808T>A (p.Leu603Ter)

Gene: TRIM37 (tripartite motif containing 37; minus strand). Cytogenetic location: 17q22.
Variant type: single nucleotide variant.
Coding change: c.1808T>A on transcript NM_015294.6 (MANE Select); coding-DNA position 1808, T replaced by A.
Protein change: p.Leu603Ter; replaces leucine 603 with a stop codon.
Molecular consequence: nonsense. On other transcripts: non-coding transcript variant (2).
Genome position (GRCh38, 1-based): chr17:59,032,036, A>T on the plus strand (T>A on the coding strand, the complement: TRIM37 is on the minus strand). VCF-style: chr17-59032036-A-T. GRCh37 (hg19) VCF-style: chr17-57109397-A-T.
Other names: c.1808T>A, p.Leu603Ter (NM_001005207.5, NM_001320988.3, NM_001320989.3 and 1 more transcripts); c.1706T>A, p.Leu569Ter (NM_001320987.3, NM_001353082.2); c.1442T>A, p.Leu481Ter (NM_001320990.3); c.1073T>A, p.Leu358Ter (NM_001353083.2); c.1346T>A, p.Leu449Ter (NM_001353085.2); c.1757T>A, p.Leu586Ter (NM_001353086.2); short protein forms L358*, L449*, L481*, L569*, L586*, L603*.
Identifiers: ClinVar variation 2679260 (VCV002679260.2), dbSNP rs1962363704, ClinGen allele CA400397341.
Genomic context (GRCh38, chr17:59,032,036, plus strand): 5'-AACAAATGTATTAAAATTAATGGATCAATGTCTAGTAAACTACTGGTAGCAGCGGAGCAT[A>T]AATGTGTTCTTCTTGATATTCTACTACTGGAACCCACATAACCATGGCTACTACCTGCAA-3'